The following is an entry in ClinVar:

NM_003718.5(CDK13):c.3955G>A (p.Gly1319Ser)

Gene: CDK13 (cyclin dependent kinase 13; plus strand). Cytogenetic location: 7p14.1.
Variant type: single nucleotide variant.
Coding change: c.3955G>A on transcript NM_003718.5 (MANE Select); coding-DNA position 3955, G replaced by A.
Protein change: p.Gly1319Ser; replaces glycine 1319 with serine.
Molecular consequence: missense variant.
Genome position (GRCh38, 1-based): chr7:40,094,396, G>A. VCF-style: chr7-40094396-G-A. GRCh37 (hg19) VCF-style: chr7-40133995-G-A.
Other names: c.3775G>A, p.Gly1259Ser (NM_031267.4); short protein forms G1319S, G1259S.
Identifiers: ClinVar variation 730686 (VCV000730686.16), dbSNP rs147108931, ClinGen allele CA4229038.

ClinVar aggregate classification (germline): Likely benign. Review status: criteria provided, multiple submitters, no conflicts (2 of 4 stars). 5 submissions from 5 submitters: Likely benign (5). Last evaluated 2026-07-23.

Conditions:
Congenital heart defects, dysmorphic facial features, and intellectual developmental disorder (CHDFIDD). Identifiers: Orphanet 646278, MedGen C4479246, MONDO:0044302, OMIM 617360.
Inborn genetic diseases. Identifiers: MedGen C0950123, MeSH D030342.
CDK13-related disorder. Also called: CDK13-related condition. Identifiers: MedGen C5816700.

Allele frequency attached by ClinVar (database versions not stated): TOPMed 0.00017; gnomAD 0.00018 and 0.00019; 1000 Genomes Project 0.00020; gnomAD exomes 0.00021 and 0.00029; ExAC 0.00026; 1000 Genomes Project 30x 0.00031; ESP Exome Variant Server 0.00031.
gnomAD v4.1: 347 of 1,614,028 alleles (0.021%); highest among the groups gnomAD compares: South Asian, 0.18%; 1 homozygote.

Submissions (5):

PreventionGenetics, part of Exact Sciences
Classification: Likely benign for CDK13-related condition. Last evaluated: 2026-07-23. Review status: criteria provided, single submitter. Criteria: ACMG Guidelines, 2015. Collection method: clinical testing. Allele origin: germline.
Comment: This variant is classified as likely benign based on ACMG/AMP sequence variant interpretation guidelines (Richards et al. 2015 PMID: 25741868, with internal and published modifications).

CeGaT Center for Human Genetics Tuebingen
Classification: Likely benign. Last evaluated: 2026-01-01. Review status: criteria provided, single submitter. Criteria: CeGaT Center For Human Genetics Tuebingen Variant Classification Criteria Version 2. Collection method: clinical testing. Allele origin: germline. Affected: yes. Observed: 1 variant allele.
Comment: CDK13: BP4, BS1

Labcorp Genetics (formerly Invitae), Labcorp
Classification: Likely benign. Last evaluated: 2025-11-01. Review status: criteria provided, single submitter. Criteria: Invitae Variant Classification Sherloc (09022015). Collection method: clinical testing. Allele origin: germline.

Ambry Genetics
Classification: Likely benign for Inborn genetic diseases. Last evaluated: 2022-11-07. Review status: criteria provided, single submitter. Criteria: Ambry Variant Classification Scheme 2023. Collection method: clinical testing. Allele origin: germline.

Fulgent Genetics
Classification: Likely benign for Congenital heart defects, dysmorphic facial features, and intellectual developmental disorder. Last evaluated: 2022-05-04. Review status: criteria provided, single submitter. Criteria: ACMG Guidelines, 2015. Collection method: clinical testing. Allele origin: unknown.